The following is an entry in ClinVar:

ClinVar aggregate classification (germline): Uncertain significance (1 of 4 stars; one submission).

Conditions:
Capillary malformation-arteriovenous malformation syndrome. Also called: Capillary malformation-arteriovenous malformation. Identifiers: Orphanet 137667, MedGen C1842180, MONDO:0012016.

Submission:

Labcorp Genetics (formerly Invitae), Labcorp
Classification: Uncertain significance for Capillary malformation-arteriovenous malformation syndrome. Last evaluated: 2021-08-03. Review status: criteria provided, single submitter. Criteria: Invitae Variant Classification Sherloc (09022015). Collection method: clinical testing. Allele origin: germline.
Comment: Algorithms developed to predict the effect of missense changes on protein structure and function are either unavailable or do not agree on the potential impact of this missense change (SIFT: "Deleterious"; PolyPhen-2: "Probably Damaging"; Align-GVGD: "Class C0"). In summary, the available evidence is currently insufficient to determine the role of this variant in disease. Therefore, it has been classified as a Variant of Uncertain Significance. This variant has not been reported in the literature in individuals affected with RASA1-related conditions. This variant is not present in population databases (ExAC no frequency). This sequence change replaces threonine with proline at codon 785 of the RASA1 protein (p.Thr785Pro). The threonine residue is highly conserved and there is a small physicochemical difference between threonine and proline.

NM_002890.3(RASA1):c.2353A>C (p.Thr785Pro)

Genes: CCNH (cyclin H; minus strand), RASA1 (RAS p21 protein activator 1; plus strand). Cytogenetic location: 5q14.3.
Variant type: single nucleotide variant.
Coding change: c.2353A>C on transcript NM_002890.3 (MANE Select); coding-DNA position 2353, A replaced by C.
Protein change: p.Thr785Pro; replaces threonine 785 with proline.
Molecular consequence: missense variant. On other transcripts: intron variant (1).
Genome position (GRCh38, 1-based): chr5:87,378,404, A>C. VCF-style: chr5-87378404-A-C. GRCh37 (hg19) VCF-style: chr5-86674221-A-C.
Other names: c.1822A>C, p.Thr608Pro (NM_022650.3); c.933+16640T>G (NM_001364075.2); short protein forms T785P, T608P.
Identifiers: ClinVar variation 1466309 (VCV001466309.7), dbSNP rs2112495513, ClinGen allele CA360381977.